The following is an entry in ClinVar:

NM_000827.4(GRIA1):c.1412C>T (p.Thr471Met)

Gene: GRIA1 (glutamate ionotropic receptor AMPA type subunit 1; plus strand). Cytogenetic location: 5q33.2.
Variant type: single nucleotide variant.
Coding change: c.1412C>T on transcript NM_000827.4 (MANE Select); coding-DNA position 1412, C replaced by T.
Protein change: p.Thr471Met; replaces threonine 471 with methionine.
Molecular consequence: missense variant. On other transcripts: non-coding transcript variant (2).
Genome position (GRCh38, 1-based): chr5:153,699,033, C>T. VCF-style: chr5-153699033-C-T. GRCh37 (hg19) VCF-style: chr5-153078593-C-T.
Other names: c.1412C>T, p.Thr471Met (NM_001114183.2); c.1172C>T, p.Thr391Met (NM_001258019.2); c.1127C>T, p.Thr376Met (NM_001258020.2); c.1442C>T, p.Thr481Met (NM_001258021.2, NM_001258022.2); c.1205C>T, p.Thr402Met (NM_001258023.1, NM_001364167.2); c.1244C>T, p.Thr415Met (NM_001364165.2); c.1439C>T, p.Thr480Met (NM_001364166.2); short protein forms T376M, T391M, T402M, T415M, T471M, T480M, T481M.
Identifiers: ClinVar variation 1338918 (VCV001338918.2), dbSNP rs1250825059, ClinGen allele CA361906628.

ClinVar aggregate classification (germline): Uncertain significance (1 of 4 stars; one submission).

Allele frequency attached by ClinVar (database versions not stated): gnomAD exomes 0.00001.
gnomAD v4.1: 15 of 1,613,908 alleles (0.00093%); highest among the groups gnomAD compares: Middle Eastern, 0.016%; no homozygotes.

Submission:

GeneDx
Classification: Uncertain significance. Last evaluated: 2022-11-22. Review status: criteria provided, single submitter. Criteria: GeneDx Variant Classification Process June 2021. Collection method: clinical testing. Allele origin: germline. Affected: yes.
Comment: Not observed at significant frequency in large population cohorts (gnomAD); In silico analysis supports that this missense variant has a deleterious effect on protein structure/function; Has not been previously published as pathogenic or benign to our knowledge